The following is an entry in ClinVar:

NM_001999.4(FBN2):c.7271T>C (p.Leu2424Pro)

Gene: FBN2 (fibrillin 2; minus strand). Cytogenetic location: 5q23.3.
Variant type: single nucleotide variant.
Coding change: c.7271T>C on transcript NM_001999.4 (MANE Select); coding-DNA position 7271, T replaced by C.
Protein change: p.Leu2424Pro; replaces leucine 2424 with proline.
Molecular consequence: missense variant.
Genome position (GRCh38, 1-based): chr5:128,278,709, A>G on the plus strand (T>C on the coding strand, the complement: FBN2 is on the minus strand). VCF-style: chr5-128278709-A-G. GRCh37 (hg19) VCF-style: chr5-127614401-A-G.
Other names: short protein forms L2424P.
Identifiers: ClinVar variation 3689186 (VCV003689186.2).
Genomic context (GRCh38, chr5:128,278,709, plus strand): 5'-GTATATCCTGGGCCATGAGGACATATCTTTTTGTACTGGGCAGTTCCAGGAAGTGGGCAA[A>G]GCTCGCACTGGTGGCCCCAGCCTCGCCCACCATCACAGCAGCATTCTGACTTAGTGACGA-3'
Protein context (NP_001990.2, residues 2414-2434): GGRGWGHQCE[Leu2424Pro]CPLPGTAQYK

ClinVar aggregate classification (germline): Uncertain significance (1 of 4 stars; one submission).

Conditions:
Congenital contractural arachnodactyly (CCA). Also called: BEALS SYNDROME; Beals-Hecht syndrome; Arthrogryposis, distal, type 9. Identifiers: Orphanet 115, MedGen C0220668, MONDO:0007363, OMIM 121050.

Submission:

Labcorp Genetics (formerly Invitae), Labcorp
Classification: Uncertain significance for Congenital contractural arachnodactyly. Last evaluated: 2024-08-29. Review status: criteria provided, single submitter. Criteria: Invitae Variant Classification Sherloc (09022015). Collection method: clinical testing. Allele origin: germline.
Comment: This sequence change replaces leucine, which is neutral and non-polar, with proline, which is neutral and non-polar, at codon 2424 of the FBN2 protein (p.Leu2424Pro). This variant is not present in population databases (gnomAD no frequency). This variant has not been reported in the literature in individuals affected with FBN2-related conditions. Invitae Evidence Modeling of protein sequence and biophysical properties (such as structural, functional, and spatial information, amino acid conservation, physicochemical variation, residue mobility, and thermodynamic stability) indicates that this missense variant is not expected to disrupt FBN2 protein function with a negative predictive value of 80%. In summary, the available evidence is currently insufficient to determine the role of this variant in disease. Therefore, it has been classified as a Variant of Uncertain Significance.